The following is an entry in ClinVar:

NM_000400.4(ERCC2):c.2068_2069dup (p.Lys692fs)

Gene: ERCC2 (ERCC excision repair 2, TFIIH core complex helicase subunit; minus strand). Cytogenetic location: 19q13.32.
Variant type: Duplication.
Coding change: c.2068_2069dup on transcript NM_000400.4 (MANE Select); coding-DNA positions 2068 to 2069, 2 bases duplicated (CG; older notation c.2068_2069dupCG).
Protein change: p.Lys692fs; shifts the reading frame from lysine 692.
Molecular consequence: frameshift variant.
Genome position (GRCh38, 1-based): chr19:45,352,330-45,352,331, CG duplicated on the plus strand (CG on the coding strand, the reverse complement: ERCC2 is on the minus strand); duplicating any 2 consecutive bases within chr19:45,352,330-45,352,332 gives the same sequence; the c. name uses the placement nearest the transcript's 3' end. VCF-style (leftmost placement, unchanged base first): chr19-45352329-C-CCG. GRCh37 (hg19) VCF-style: chr19-45855587-C-CCG.
Other names: short protein forms K692fs.
Identifiers: ClinVar variation 3241395 (VCV003241395.2), dbSNP rs2513998080.

ClinVar aggregate classification (germline): Pathogenic/Likely pathogenic. Review status: criteria provided, multiple submitters, no conflicts (2 of 4 stars). 2 submissions from 2 submitters: Pathogenic (1); Likely pathogenic (1). Last evaluated 2025-12-28.

Conditions:
Cerebrooculofacioskeletal syndrome 2 (COFS2). Identifiers: MedGen C1853102, MONDO:0012553, OMIM 610756.

Submissions (2):

Labcorp Genetics (formerly Invitae), Labcorp
Classification: Pathogenic. Last evaluated: 2025-12-28. Review status: criteria provided, single submitter. Criteria: Invitae Variant Classification Sherloc (09022015). Collection method: clinical testing. Allele origin: germline.
Comment: This sequence change creates a premature translational stop signal (p.Lys692Glyfs*18) in the ERCC2 gene. It is expected to result in an absent or disrupted protein product. Loss-of-function variants in ERCC2 are known to be pathogenic (PMID: 9238033, 11335038, 19085937, 19934020). This variant is not present in population databases (gnomAD no frequency). This variant has not been reported in the literature in individuals affected with ERCC2-related conditions. ClinVar contains an entry for this variant (Variation ID: 3241395). For these reasons, this variant has been classified as Pathogenic.

Baylor Genetics
Classification: Likely pathogenic for Cerebrooculofacioskeletal syndrome 2. Last evaluated: 2024-03-21. Review status: criteria provided, single submitter. Criteria: ACMG Guidelines, 2015. Collection method: clinical testing. Allele origin: unknown.

Literature cited by the submitters: PubMed 9238033 (cited by Labcorp Genetics (formerly Invitae), Labcorp); PubMed 11335038 (cited by Labcorp Genetics (formerly Invitae), Labcorp); PubMed 19085937 (cited by Labcorp Genetics (formerly Invitae), Labcorp); PubMed 19934020 (cited by Labcorp Genetics (formerly Invitae), Labcorp).